The following is an entry in ClinVar:

ClinVar aggregate classification (germline): Uncertain significance (1 of 4 stars; one submission).

Submission:

GeneDx
Classification: Uncertain significance. Last evaluated: 2024-05-29. Review status: criteria provided, single submitter. Criteria: GeneDx Variant Classification Process June 2021. Collection method: clinical testing. Allele origin: germline. Affected: yes.
Comment: Not observed at significant frequency in large population cohorts (gnomAD); In silico analysis supports that this missense variant has a deleterious effect on protein structure/function; Has not been previously published as pathogenic or benign to our knowledge

NM_172362.3(KCNH1):c.1596G>C (p.Leu532Phe)

Gene: KCNH1 (potassium voltage-gated channel subfamily H member 1; minus strand). Cytogenetic location: 1q32.2.
Variant type: single nucleotide variant.
Coding change: c.1596G>C on transcript NM_172362.3 (MANE Select); coding-DNA position 1596, G replaced by C.
Protein change: p.Leu532Phe; replaces leucine 532 with phenylalanine.
Molecular consequence: missense variant.
Genome position (GRCh38, 1-based): chr1:210,804,033, C>G on the plus strand (G>C on the coding strand, the complement: KCNH1 is on the minus strand). VCF-style: chr1-210804033-C-G. GRCh37 (hg19) VCF-style: chr1-210977375-C-G.
Other names: c.1515G>C, p.Leu505Phe (NM_002238.4); short protein forms L505F, L532F.
Identifiers: ClinVar variation 2578315 (VCV002578315.2), dbSNP rs2526826348, ClinGen allele CA344874254.